The following is an entry in ClinVar:

NM_007129.5(ZIC2):c.86C>G (p.Ala29Gly)

Gene: ZIC2 (Zic family member 2; plus strand). Cytogenetic location: 13q32.3.
Variant type: single nucleotide variant.
Coding change: c.86C>G on transcript NM_007129.5 (MANE Select); coding-DNA position 86, C replaced by G.
Protein change: p.Ala29Gly; replaces alanine 29 with glycine.
Molecular consequence: missense variant.
Genome position (GRCh38, 1-based): chr13:99,982,150, C>G. VCF-style: chr13-99982150-C-G. GRCh37 (hg19) VCF-style: chr13-100634404-C-G.
Other names: short protein forms A29G.
Identifiers: ClinVar variation 2372120 (VCV002372120.2), dbSNP rs901409703, ClinGen allele CA388636526.

ClinVar aggregate classification (germline): Uncertain significance (1 of 4 stars; one submission).

Conditions:
Inborn genetic diseases. Identifiers: MedGen C0950123, MeSH D030342.

Allele frequency attached by ClinVar (database versions not stated): gnomAD exomes below 0.00001.
gnomAD v4.1: 1 of 1,341,834 alleles (0.000075%); highest among the groups gnomAD compares: Non-Finnish European, 0.000095%; no homozygotes.

Submission:

Ambry Genetics
Classification: Uncertain significance for Inborn genetic diseases. Last evaluated: 2021-07-08. Review status: criteria provided, single submitter. Criteria: Ambry Variant Classification Scheme 2023. Collection method: clinical testing. Allele origin: germline.
Comment: The c.86C>G (p.A29G) alteration is located in exon 1 (coding exon 1) of the ZIC2 gene. This alteration results from a C to G substitution at nucleotide position 86, causing the alanine (A) at amino acid position 29 to be replaced by a glycine (G). The p.A29G alteration is predicted to be tolerated by in silico analysis. Based on insufficient or conflicting evidence, the clinical significance of this alteration remains unclear.